The following is an entry in ClinVar:

ClinVar aggregate classification (germline): Pathogenic. Review status: criteria provided, single submitter (1 of 4 stars). 2 submissions from 2 submitters: Pathogenic (1). 1 of the submissions does not count toward it. Last evaluated 2024-05-08.

Conditions:
Autosomal recessive limb-girdle muscular dystrophy. Identifiers: Orphanet 102015, MedGen C2931907, MONDO:0015152.
Autosomal recessive limb-girdle muscular dystrophy type 2B (LGMDR2). Also called: Limb-girdle muscular dystrophy, type 2B; MUSCULAR DYSTROPHY, LIMB-GIRDLE, TYPE 3; MUSCULAR DYSTROPHY, LIMB-GIRDLE, AUTOSOMAL RECESSIVE 2; Limb-Girdle Muscular Dystrophy Type 2B (LGMD2B). Identifiers: Orphanet 268, MedGen C1850889, MONDO:0009676, OMIM 253601.

Submissions (2):

Myriad Genetics, Inc.
Classification: Pathogenic for Autosomal recessive limb-girdle muscular dystrophy. Last evaluated: 2024-05-08. Review status: criteria provided, single submitter. Criteria: Myriad Autosomal Dominant, Autosomal Recessive and X-Linked Classification Criteria (2023). Collection method: clinical testing. Allele origin: unknown.
Comment: NM_003494.3(DYSF):c.634delC(L212Cfs*15) is expected to be pathogenic in the context of dysferlinopathy. This variant is predicted to lead to an abnormal or absent protein product due to the creation of a premature termination codon in DYSF, a gene where loss-of-function variants are known to be pathogenic. Please note: this variant was assessed in the context of healthy population screening.

Foundation for Research in Genetics and Endocrinology, FRIGE's Institute of Human Genetics
Classification: Pathogenic for Autosomal recessive limb-girdle muscular dystrophy type 2B. Last evaluated: 2017-12-18. Review status: no assertion criteria provided. Collection method: clinical testing. Allele origin: germline. Inheritance: Autosomal recessive inheritance. Affected: yes. Observed: 1 variant allele, 1 compound heterozygote. Not counted in ClinVar's aggregate classification.
Comment: The observed variant c.634delC (p. Leu212CysfsTer15) is not reported in 1000 Genomes and ExAc databases. The in silico prediction of the variant is disease causing by MutationTaster2.

NM_001130987.2(DYSF):c.730del (p.Leu244fs)

Gene: DYSF (dysferlin; plus strand). Cytogenetic location: 2p13.2.
Variant type: Deletion.
Coding change: c.730del on transcript NM_001130987.2 (MANE Select); coding-DNA position 730, one base deleted (C; older notation c.730delC).
Protein change: p.Leu244fs; shifts the reading frame from leucine 244.
Molecular consequence: frameshift variant.
Genome position (GRCh38, 1-based): chr2:71,513,892, C deleted. VCF-style (leftmost placement, unchanged base first): chr2-71513891-GC-G. GRCh37 (hg19) VCF-style: chr2-71741021-GC-G.
Other names: c.727del, p.Leu243fs (NM_001130979.2, NM_001130980.2, NM_001130981.2); c.730del, p.Leu244fs (NM_001130982.2, NM_001130985.2); c.637del, p.Leu213fs (NM_001130983.2, NM_001130984.2, NM_001130986.2 and 1 more transcripts); c.634del, p.Leu212fs (NM_003494.4, NM_001130976.2, NM_001130977.2 and 1 more transcripts); short protein forms L244fs, L212fs, L213fs, L243fs.
Identifiers: ClinVar variation 523646 (VCV000523646.3), dbSNP rs1553521119, ClinGen allele CA658795806.